The following is an entry in ClinVar:

NM_001146079.2(CLDN14):c.505A>G (p.Ile169Val)

Genes: CLDN14 (claudin 14; minus strand), CLDN14-AS1 (CLDN14 antisense RNA 1; plus strand). Cytogenetic location: 21q22.13.
Variant type: single nucleotide variant.
Coding change: c.505A>G on transcript NM_001146079.2 (MANE Select); coding-DNA position 505, A replaced by G.
Protein change: p.Ile169Val; replaces isoleucine 169 with valine.
Molecular consequence: missense variant.
Genome position (GRCh38, 1-based): chr21:36,461,191, T>C on the plus strand (A>G on the coding strand, the complement: CLDN14 is on the minus strand). VCF-style: chr21-36461191-T-C. GRCh37 (hg19) VCF-style: chr21-37833489-T-C.
Other names: c.505A>G, p.Ile169Val (NM_001146077.2, NM_001146078.3, NM_012130.4 and 1 more transcripts); short protein forms I169V.
Identifiers: ClinVar variation 505062 (VCV000505062.4), dbSNP rs1555841637, ClinGen allele CA409881345.

ClinVar aggregate classification (germline): Likely benign (1 of 4 stars; one submission).

Allele frequency attached by ClinVar (database versions not stated): gnomAD exomes below 0.00001 and 0.00001.
gnomAD v4.1: 7 of 1,613,914 alleles (0.00043%); highest among the groups gnomAD compares: Non-Finnish European, 0.00059%; no homozygotes.

Submission:

Laboratory for Molecular Medicine, Mass General Brigham Personalized Medicine
Classification: Likely benign. Last evaluated: 2016-06-09. Review status: criteria provided, single submitter. Criteria: LMM Criteria. Collection method: clinical testing. Allele origin: germline. Observed: 1 variant allele.
Comment: p.Ile169Val in exon 3 of CLDN14: This variant is not expected to have clinical s ignificance due to a lack of conservation across species, including mammals. Of note, 2 mammals (shrew and platypus) and many other species have a valine (Val) at this position despite high nearby amino acid conservation. In addition, compu tational prediction tools do not suggest a high likelihood of impact to the prot ein.